The following is an entry in ClinVar:

ClinVar aggregate classification (germline): Uncertain significance (1 of 4 stars; one submission).

Submission:

Labcorp Genetics (formerly Invitae), Labcorp
Classification: Uncertain significance. Last evaluated: 2022-12-19. Review status: criteria provided, single submitter. Criteria: Invitae Variant Classification Sherloc (09022015). Collection method: clinical testing. Allele origin: germline.
Comment: Information on the frequency of this variant in the gnomAD database is not available, as this variant may be reported differently in the database. In summary, the available evidence is currently insufficient to determine the role of this variant in disease. Therefore, it has been classified as a Variant of Uncertain Significance. Algorithms developed to predict the effect of missense changes on protein structure and function are either unavailable or do not agree on the potential impact of this missense change (SIFT: "Not Available"; PolyPhen-2: "Possibly Damaging"; Align-GVGD: "Not Available"). This variant has not been reported in the literature in individuals affected with FBXO11-related conditions. This sequence change replaces arginine, which is basic and polar, with isoleucine, which is neutral and non-polar, at codon 724 of the FBXO11 protein (p.Arg724Ile).

NM_001190274.2(FBXO11):c.2171_2172delinsTT (p.Arg724Ile)

Gene: FBXO11 (F-box protein 11; minus strand). Cytogenetic location: 2p16.3.
Variant type: Indel.
Coding change: c.2171_2172delinsTT on transcript NM_001190274.2 (MANE Select); coding-DNA positions 2171 to 2172, GA replaced by TT.
Protein change: p.Arg724Ile; replaces arginine 724 with isoleucine.
Molecular consequence: missense variant.
Genome position (GRCh38, 1-based): chr2:47,813,289-47,813,290, TC replaced by AA on the plus strand (GA replaced by TT on the coding strand, the reverse complement: FBXO11 is on the minus strand). VCF-style: chr2-47813289-TC-AA. GRCh37 (hg19) VCF-style: chr2-48040428-TC-AA.
Other names: c.1919_1920delinsTT, p.Arg640Ile (NM_001374325.1, NM_025133.4); short protein forms R640I, R724I.
Identifiers: ClinVar variation 2818002 (VCV002818002.3), dbSNP rs2531003063, ClinGen allele CA2739274481.